The following is an entry in ClinVar:

ClinVar aggregate classification (germline): Likely benign. Review status: criteria provided, multiple submitters, no conflicts (2 of 4 stars). 2 submissions from 2 submitters: Likely benign (2). Last evaluated 2026-06-01.

gnomAD v4.1: 217 of 1,613,696 alleles (0.013%); highest among the groups gnomAD compares: Non-Finnish European, 0.017%; 1 homozygote.

Submissions (2):

CeGaT Center for Human Genetics Tuebingen
Classification: Likely benign. Last evaluated: 2026-06-01. Review status: criteria provided, single submitter. Criteria: CeGaT Center For Human Genetics Tuebingen Variant Classification Criteria Version 2. Collection method: clinical testing. Allele origin: germline. Affected: yes. Observed: 1 variant allele.
Comment: NUP214: BP4, BP7

Blueprint Genetics
Classification: Likely benign. Last evaluated: 2024-10-09. Review status: criteria provided, single submitter. Criteria: ACMG Guidelines, 2015. Collection method: clinical testing. Allele origin: germline.

NM_005085.4(NUP214):c.4398A>G (p.Thr1466=)

Gene: NUP214 (nucleoporin 214; plus strand). Cytogenetic location: 9q34.13.
Variant type: single nucleotide variant.
Coding change: c.4398A>G on transcript NM_005085.4 (MANE Select); coding-DNA position 4398, A replaced by G.
Protein change: p.Thr1466=; no amino-acid change (threonine 1466 retained).
Molecular consequence: synonymous variant.
Genome position (GRCh38, 1-based): chr9:131,197,892, A>G. VCF-style: chr9-131197892-A-G. GRCh37 (hg19) VCF-style: chr9-134073279-A-G.
Other names: c.4368A>G, p.Thr1456= (NM_001318324.2); c.876A>G, p.Thr292= (NM_001318325.2).
Identifiers: ClinVar variation 4905019 (VCV004905019.2).